The following is an entry in ClinVar:

NM_012186.3(FOXE3):c.763G>A (p.Ala255Thr)

Genes: FOXE3 (forkhead box E3; plus strand), LINC01389 (long independently transcribed non-coding RNA 1389; minus strand). Cytogenetic location: 1p33.
Variant type: single nucleotide variant.
Coding change: c.763G>A on transcript NM_012186.3 (MANE Select); coding-DNA position 763, G replaced by A.
Protein change: p.Ala255Thr; replaces alanine 255 with threonine.
Molecular consequence: missense variant.
Genome position (GRCh38, 1-based): chr1:47,417,078, G>A. VCF-style: chr1-47417078-G-A. GRCh37 (hg19) VCF-style: chr1-47882750-G-A.
Other names: c.763G>A (NM_012186.2); short protein forms A255T.
Identifiers: ClinVar variation 1393699 (VCV001393699.11), dbSNP rs911732099, ClinGen allele CA22069254.

ClinVar aggregate classification (germline): Uncertain significance. Review status: criteria provided, multiple submitters, no conflicts (2 of 4 stars). 2 submissions from 2 submitters: Uncertain significance (2). Last evaluated 2025-03-10.

Conditions:
Cardiovascular phenotype. Identifiers: MedGen CN230736.
Congenital primary aphakia. Also called: ANTERIOR SEGMENT DYSGENESIS 2; Anterior segment dysgenesis 2, multiple subtypes. Identifiers: Orphanet 83461, MedGen C1853230, MONDO:0012456, OMIM 610256.
Anterior segment dysgenesis. Also called: Ocular anterior segment dysgenesis. Identifiers: Orphanet 88632, MedGen C1862839, MONDO:0019503, HP:0007700.

Allele frequency attached by ClinVar (database versions not stated): gnomAD 0.00001; gnomAD exomes 0.00001; TOPMed 0.00002.

Submissions (2):

Ambry Genetics
Classification: Uncertain significance for Cardiovascular phenotype. Last evaluated: 2025-03-10. Review status: criteria provided, single submitter. Criteria: Ambry Variant Classification Scheme 2023. Collection method: clinical testing. Allele origin: germline.
Comment: The p.A255T variant (also known as c.763G>A), located in coding exon 1 of the FOXE3 gene, results from a G to A substitution at nucleotide position 763. The alanine at codon 255 is replaced by threonine, an amino acid with similar properties. This amino acid position is not well conserved in available vertebrate species. In addition, this alteration is predicted to be tolerated by in silico analysis. Based on the available evidence, the clinical significance of this variant remains unclear.

Labcorp Genetics (formerly Invitae), Labcorp
Classification: Uncertain significance for Anterior segment dysgenesis; Congenital primary aphakia. Last evaluated: 2022-09-24. Review status: criteria provided, single submitter. Criteria: Invitae Variant Classification Sherloc (09022015). Collection method: clinical testing. Allele origin: germline.
Comment: This sequence change replaces alanine, which is neutral and non-polar, with threonine, which is neutral and polar, at codon 255 of the FOXE3 protein (p.Ala255Thr). In summary, the available evidence is currently insufficient to determine the role of this variant in disease. Therefore, it has been classified as a Variant of Uncertain Significance. This variant is not present in population databases (gnomAD no frequency). This variant has not been reported in the literature in individuals affected with FOXE3-related conditions. ClinVar contains an entry for this variant (Variation ID: 1393699). Advanced modeling of protein sequence and biophysical properties (such as structural, functional, and spatial information, amino acid conservation, physicochemical variation, residue mobility, and thermodynamic stability) performed at Invitae indicates that this missense variant is not expected to disrupt FOXE3 protein function.